The following is an entry in ClinVar:

NM_002185.5(IL7R):c.1256T>C (p.Phe419Ser)

Gene: IL7R (interleukin 7 receptor; plus strand). Cytogenetic location: 5p13.2.
Variant type: single nucleotide variant.
Coding change: c.1256T>C on transcript NM_002185.5 (MANE Select); coding-DNA position 1256, T replaced by C.
Protein change: p.Phe419Ser; replaces phenylalanine 419 with serine.
Molecular consequence: missense variant. On other transcripts: non-coding transcript variant (1).
Genome position (GRCh38, 1-based): chr5:35,876,362, T>C. VCF-style: chr5-35876362-T-C. GRCh37 (hg19) VCF-style: chr5-35876464-T-C.
Other names: c.*373T>C (NM_001410734.1); short protein forms F419S.
Identifiers: ClinVar variation 2142235 (VCV002142235.3), dbSNP rs149195024, ClinGen allele CA3232225.

ClinVar aggregate classification (germline): Uncertain significance. Review status: criteria provided, multiple submitters, no conflicts (2 of 4 stars). 3 submissions from 3 submitters: Uncertain significance (3). Last evaluated 2022-12-15.

Conditions:
Inborn genetic diseases. Identifiers: MedGen C0950123, MeSH D030342.
Immunodeficiency 104. Also called: SCID, AUTOSOMAL RECESSIVE, T CELL-NEGATIVE, B CELL-POSITIVE, NK CELL-POSITIVE; Severe combined immunodeficiency, autosomal recessive, T cell-negative, B cell-positive, NK cell-positive; Severe Combined Immune Deficiency, Autosomal Recessive, TCell -Negative, B Cell-Positive, NK Cell-Positive, IL7R-Related; IMMUNODEFICIENCY 104, SEVERE COMBINED. Identifiers: MedGen C5676890, MONDO:0012163, OMIM 608971.

Allele frequency attached by ClinVar (database versions not stated): gnomAD 0.00002; gnomAD exomes 0.00002; TOPMed 0.00003; ExAC 0.00004; ESP Exome Variant Server 0.00031.

Submissions (3):

Ambry Genetics
Classification: Uncertain significance for Inborn genetic diseases. Last evaluated: 2022-12-15. Review status: criteria provided, single submitter. Criteria: Ambry Variant Classification Scheme 2023. Collection method: clinical testing. Allele origin: germline.

Blueprint Genetics
Classification: Uncertain significance. Last evaluated: 2022-03-19. Review status: criteria provided, single submitter. Criteria: ACMG Guidelines, 2015. Collection method: clinical testing. Allele origin: germline.

Labcorp Genetics (formerly Invitae), Labcorp
Classification: Uncertain significance for Immunodeficiency 104. Last evaluated: 2022-03-19. Review status: criteria provided, single submitter. Criteria: Invitae Variant Classification Sherloc (09022015). Collection method: clinical testing. Allele origin: germline.
Comment: This sequence change replaces phenylalanine, which is neutral and non-polar, with serine, which is neutral and polar, at codon 419 of the IL7R protein (p.Phe419Ser). This variant is present in population databases (rs149195024, gnomAD 0.004%). This variant has not been reported in the literature in individuals affected with IL7R-related conditions. Algorithms developed to predict the effect of missense changes on protein structure and function output the following: SIFT: "Tolerated"; PolyPhen-2: "Benign"; Align-GVGD: "Class C0". The serine amino acid residue is found in multiple mammalian species, which suggests that this missense change does not adversely affect protein function. In summary, the available evidence is currently insufficient to determine the role of this variant in disease. Therefore, it has been classified as a Variant of Uncertain Significance.